The following is an entry in ClinVar:

ClinVar aggregate classification (germline): Uncertain significance (1 of 4 stars; one submission).

Conditions:
Hereditary cancer-predisposing syndrome. Also called: Neoplastic Syndromes, Hereditary; Hereditary neoplastic syndrome; Tumor predisposition; Hereditary Cancer Syndrome. Identifiers: Orphanet 140162, MedGen C0027672, MeSH D009386, MONDO:0015356.

Allele frequency attached by ClinVar (database versions not stated): gnomAD exomes below 0.00001.
gnomAD v4.1: 1 of 1,614,250 alleles (0.000062%); highest among the groups gnomAD compares: South Asian, 0.0011%; no homozygotes.

Submission:

Ambry Genetics
Classification: Uncertain significance for Hereditary cancer-predisposing syndrome. Last evaluated: 2022-11-05. Review status: criteria provided, single submitter. Criteria: Ambry Variant Classification Scheme 2023. Collection method: clinical testing. Allele origin: germline.
Comment: The p.K68E variant (also known as c.202A>G), located in coding exon 1 of the CDKN1B gene, results from an A to G substitution at nucleotide position 202. The lysine at codon 68 is replaced by glutamic acid, an amino acid with similar properties. This amino acid position is conserved. In addition, this alteration is predicted to be tolerated by in silico analysis. Since supporting evidence is limited at this time, the clinical significance of this alteration remains unclear.

NM_004064.5(CDKN1B):c.202A>G (p.Lys68Glu)

Gene: CDKN1B (cyclin dependent kinase inhibitor 1B; plus strand). Cytogenetic location: 12p13.1.
Variant type: single nucleotide variant.
Coding change: c.202A>G on transcript NM_004064.5 (MANE Select); coding-DNA position 202, A replaced by G.
Protein change: p.Lys68Glu; replaces lysine 68 with glutamic acid.
Molecular consequence: missense variant.
Genome position (GRCh38, 1-based): chr12:12,718,041, A>G. VCF-style: chr12-12718041-A-G. GRCh37 (hg19) VCF-style: chr12-12870975-A-G.
Other names: short protein forms K68E.
Identifiers: ClinVar variation 2497641 (VCV002497641.2), dbSNP rs1319912400, ClinGen allele CA383969482.